The following is an entry in ClinVar:

ClinVar aggregate classification (germline): Likely benign (1 of 4 stars; one submission).

Conditions:
TBX3-related disorder. Also called: TBX3-related condition.

Submission:

PreventionGenetics, part of Exact Sciences
Classification: Likely benign for TBX3-related condition. Last evaluated: 2025-11-19. Review status: criteria provided, single submitter. Criteria: ACMG Guidelines, 2015. Collection method: clinical testing. Allele origin: germline.
Comment: This variant is classified as likely benign based on ACMG/AMP sequence variant interpretation guidelines (Richards et al. 2015 PMID: 25741868, with internal and published modifications).

NM_005996.4(TBX3):c.1455G>C (p.Pro485=)

Gene: TBX3 (T-box transcription factor 3; minus strand). Cytogenetic location: 12q24.21.
Variant type: single nucleotide variant.
Coding change: c.1455G>C on transcript NM_005996.4 (MANE Select); coding-DNA position 1455, G replaced by C.
Protein change: p.Pro485=; no amino-acid change (proline 485 retained).
Molecular consequence: synonymous variant.
Genome position (GRCh38, 1-based): chr12:114,674,420, C>G on the plus strand (G>C on the coding strand, the complement: TBX3 is on the minus strand). VCF-style: chr12-114674420-C-G. GRCh37 (hg19) VCF-style: chr12-115112225-C-G.
Other names: c.1515G>C, p.Pro505= (NM_016569.4).
Identifiers: ClinVar variation 4993918 (VCV004993918.1).